The following is an entry in ClinVar:

ClinVar aggregate classification (germline): Likely benign. Review status: criteria provided, single submitter (1 of 4 stars). 2 submissions from 2 submitters: Likely benign (1). 1 of the submissions does not count toward it. Last evaluated 2025-01-08.

Conditions:
Treacher Collins syndrome 1 (TCS1). Also called: TCOF1-Related Treacher Collins Syndrome. Identifiers: Orphanet 861, MedGen CN315775, MONDO:0007944, OMIM 154500.
TCOF1-related disorder. Also called: TCOF1-related condition.

Allele frequency attached by ClinVar (database versions not stated): gnomAD 0.00001; ExAC 0.00002; gnomAD exomes 0.00002; TOPMed 0.00002.
gnomAD v4.1: 33 of 1,614,008 alleles (0.002%); highest among the groups gnomAD compares: Non-Finnish European, 0.0027%; no homozygotes.

Submissions (2):

Labcorp Genetics (formerly Invitae), Labcorp
Classification: Likely benign for Treacher Collins syndrome 1. Last evaluated: 2025-01-08. Review status: criteria provided, single submitter. Criteria: Invitae Variant Classification Sherloc (09022015). Collection method: clinical testing. Allele origin: germline.

PreventionGenetics, part of Exact Sciences
Classification: Likely benign for TCOF1-related condition. Last evaluated: 2023-03-10. Review status: no assertion criteria provided. Collection method: clinical testing. Allele origin: germline. Not counted in ClinVar's aggregate classification.
Comment: This variant is classified as likely benign based on ACMG/AMP sequence variant interpretation guidelines (Richards et al. 2015 PMID: 25741868, with internal and published modifications).

NM_001371623.1(TCOF1):c.2838G>A (p.Pro946=)

Gene: TCOF1 (treacle ribosome biogenesis factor 1; plus strand). Cytogenetic location: 5q32.
Variant type: single nucleotide variant.
Coding change: c.2838G>A on transcript NM_001371623.1 (MANE Select); coding-DNA position 2838, G replaced by A.
Protein change: p.Pro946=; no amino-acid change (proline 946 retained).
Molecular consequence: synonymous variant.
Genome position (GRCh38, 1-based): chr5:150,379,711, G>A. VCF-style: chr5-150379711-G-A. GRCh37 (hg19) VCF-style: chr5-149759274-G-A.
Other names: c.2838G>A (NM_001135243.1); c.2607G>A, p.Pro869= (NM_000356.4, NM_001135245.2); c.2838G>A, p.Pro946= (NM_001008657.3, NM_001135243.2, NM_001135244.2 and 1 more transcripts).
Identifiers: ClinVar variation 2729016 (VCV002729016.5), dbSNP rs759472865, ClinGen allele CA3511276.